The following is an entry in ClinVar:

ClinVar aggregate classification (germline): Uncertain significance (1 of 4 stars; one submission).

Conditions:
Leukocyte adhesion deficiency 1 (LAD1). Also called: LAD 1; Lymphocyte function-associated antigen 1 immunodeficiency; LFA 1 immunodeficiency; LEUKOCYTE ADHESION DEFICIENCY, TYPE I. Identifiers: Orphanet 2968, Orphanet 99842, MedGen C0398738, MONDO:0007293, OMIM 116920.

Allele frequency attached by ClinVar (database versions not stated): gnomAD 0.00001; gnomAD exomes 0.00001.
gnomAD v4.1: 13 of 1,612,696 alleles (0.00081%); highest among the groups gnomAD compares: Non-Finnish European, 0.0011%; no homozygotes.

Submission:

Labcorp Genetics (formerly Invitae), Labcorp
Classification: Uncertain significance for Leukocyte adhesion deficiency 1. Last evaluated: 2025-10-21. Review status: criteria provided, single submitter. Criteria: Invitae Variant Classification Sherloc (09022015). Collection method: clinical testing. Allele origin: germline.
Comment: This sequence change replaces proline, which is neutral and non-polar, with alanine, which is neutral and non-polar, at codon 621 of the ITGB2 protein (p.Pro621Ala). This variant is not present in population databases (gnomAD no frequency). This variant has not been reported in the literature in individuals affected with ITGB2-related conditions. ClinVar contains an entry for this variant (Variation ID: 1352421). Invitae Evidence Modeling of protein sequence and biophysical properties (such as structural, functional, and spatial information, amino acid conservation, physicochemical variation, residue mobility, and thermodynamic stability) has been performed for this missense variant. However, the output from this modeling did not meet the statistical confidence thresholds required to predict the impact of this variant on ITGB2 protein function. In summary, the available evidence is currently insufficient to determine the role of this variant in disease. Therefore, it has been classified as a Variant of Uncertain Significance.

NM_000211.5(ITGB2):c.1861C>G (p.Pro621Ala)

Gene: ITGB2 (integrin subunit beta 2; minus strand). Cytogenetic location: 21q22.3.
Variant type: single nucleotide variant.
Coding change: c.1861C>G on transcript NM_000211.5 (MANE Select); coding-DNA position 1861, C replaced by G.
Protein change: p.Pro621Ala; replaces proline 621 with alanine.
Molecular consequence: missense variant.
Genome position (GRCh38, 1-based): chr21:44,889,292, G>C on the plus strand (C>G on the coding strand, the complement: ITGB2 is on the minus strand). VCF-style: chr21-44889292-G-C. GRCh37 (hg19) VCF-style: chr21-46309207-G-C.
Other names: c.1861C>G, p.Pro621Ala (NM_001127491.3); c.1654C>G, p.Pro552Ala (NM_001303238.2); short protein forms P552A, P621A.
Identifiers: ClinVar variation 1352421 (VCV001352421.6), dbSNP rs1278051736, ClinGen allele CA410483810.